The following is an entry in ClinVar:

ClinVar aggregate classification (germline): Uncertain significance. Review status: criteria provided, multiple submitters, no conflicts (2 of 4 stars). 3 submissions from 3 submitters: Uncertain significance (3). Last evaluated 2026-01-01.

Conditions:
Developmental and epileptic encephalopathy 94 (DEE94). Also called: CHD2-Related Neurodevelopmental Disorders; Epileptic encephalopathy, childhood-onset. Identifiers: Orphanet 1942, Orphanet 2382, MedGen C3809278, MONDO:0014150, OMIM 615369.

Allele frequency attached by ClinVar (database versions not stated): gnomAD 0.00001; gnomAD exomes 0.00001 and 0.00002; ExAC 0.00002; TOPMed 0.00001.
gnomAD v4.1: 17 of 1,614,088 alleles (0.0011%); highest among the groups gnomAD compares: East Asian, 0.0045%; no homozygotes.

Submissions (3):

CeGaT Center for Human Genetics Tuebingen
Classification: Uncertain significance. Last evaluated: 2026-01-01. Review status: criteria provided, single submitter. Criteria: CeGaT Center For Human Genetics Tuebingen Variant Classification Criteria Version 2. Collection method: clinical testing. Allele origin: germline. Affected: yes. Observed: 1 variant allele.
Comment: CHD2: PP3

Labcorp Genetics (formerly Invitae), Labcorp
Classification: Uncertain significance for Developmental and epileptic encephalopathy 94. Last evaluated: 2025-12-03. Review status: criteria provided, single submitter. Criteria: Invitae Variant Classification Sherloc (09022015). Collection method: clinical testing. Allele origin: germline.
Comment: This sequence change replaces arginine, which is basic and polar, with cysteine, which is neutral and slightly polar, at codon 1788 of the CHD2 protein (p.Arg1788Cys). This variant is present in population databases (rs759259416, gnomAD 0.005%). This missense change has been observed in individual(s) with clinical features of CDH2-related conditions (PMID: 28191889). This variant is also known as c.5356C>T. ClinVar contains an entry for this variant (Variation ID: 946731). Invitae Evidence Modeling of protein sequence and biophysical properties (such as structural, functional, and spatial information, amino acid conservation, physicochemical variation, residue mobility, and thermodynamic stability) indicates that this missense variant is not expected to disrupt CHD2 protein function with a negative predictive value of 95%. In summary, the available evidence is currently insufficient to determine the role of this variant in disease. Therefore, it has been classified as a Variant of Uncertain Significance.

GeneDx
Classification: Uncertain significance. Last evaluated: 2019-05-21. Review status: criteria provided, single submitter. Criteria: GeneDx Variant Classification Process June 2021. Collection method: clinical testing. Allele origin: germline. Affected: yes.
Comment: In silico analysis, which includes protein predictors and evolutionary conservation, supports a deleterious effect; Has not been previously published as pathogenic or benign to our knowledge; This variant is associated with the following publications: (PMID: 28191889)

Literature cited by the submitters: PubMed 28191889 (cited by Labcorp Genetics (formerly Invitae), Labcorp).

NM_001271.4(CHD2):c.5362C>T (p.Arg1788Cys)

Gene: CHD2 (chromodomain helicase DNA binding protein 2; plus strand). Cytogenetic location: 15q26.1.
Variant type: single nucleotide variant.
Coding change: c.5362C>T on transcript NM_001271.4 (MANE Select); coding-DNA position 5362, C replaced by T.
Protein change: p.Arg1788Cys; replaces arginine 1788 with cysteine.
Molecular consequence: missense variant.
Genome position (GRCh38, 1-based): chr15:93,024,580, C>T. VCF-style: chr15-93024580-C-T. GRCh37 (hg19) VCF-style: chr15-93567810-C-T.
Other names: short protein forms R1788C.
Identifiers: ClinVar variation 946731 (VCV000946731.16), dbSNP rs759259416, ClinGen allele CA7748728.